The following is an entry in ClinVar:

ClinVar aggregate classification (germline): Uncertain significance (1 of 4 stars; one submission).

Conditions:
MYH7B-related disorder. Also called: MYH7B-related condition.

gnomAD v4.1: 14 of 1,613,972 alleles (0.00087%); highest among the groups gnomAD compares: Non-Finnish European, 0.0012%; no homozygotes.

Submission:

PreventionGenetics, part of Exact Sciences
Classification: Uncertain significance for MYH7B-related condition. Last evaluated: 2026-06-22. Review status: criteria provided, single submitter. Criteria: ACMG Guidelines, 2015. Collection method: clinical testing. Allele origin: germline.
Comment: The MYH7B c.1308C>T variant is not predicted to result in an amino acid change (p.=). This variant is predicted to alter splicing based on available splicing prediction software (SpliceAI, Jaganathan et al. 2019. PubMed ID: 30661751). However, the use of computer prediction software is not equivalent to functional evidence. To our knowledge, this variant has not been reported in the literature. This variant is reported in 0.0044% of alleles in individuals of European (Non-Finnish) descent in gnomAD. At this time, the clinical significance of this variant is uncertain due to the absence of conclusive functional and genetic evidence.

NM_020884.7(MYH7B):c.1182C>T (p.Ser394=)

Gene: MYH7B (myosin heavy chain 7B; plus strand). Cytogenetic location: 20q11.22.
Variant type: single nucleotide variant.
Coding change: c.1182C>T on transcript NM_020884.7 (MANE Select); coding-DNA position 1182, C replaced by T.
Protein change: p.Ser394=; no amino-acid change (serine 394 retained).
Molecular consequence: synonymous variant.
Genome position (GRCh38, 1-based): chr20:34,987,591, C>T. VCF-style: chr20-34987591-C-T. GRCh37 (hg19) VCF-style: chr20-33575394-C-T.
Identifiers: ClinVar variation 4984239 (VCV004984239.1).